The following is an entry in ClinVar:

NC_012920.1(MT-ATP6):m.9038T>C

Gene: MT-ATP6 (mitochondrially encoded ATP synthase 6; plus strand).
Variant type: single nucleotide variant.
Genome position: chrM-9038-T-C.
Identifiers: ClinVar variation 693062 (VCV000693062.5), dbSNP rs1603222003, ClinGen allele CA414801969.

ClinVar aggregate classification (germline): Uncertain significance. Review status: reviewed by expert panel (3 of 4 stars). 3 submissions from 3 submitters: Uncertain significance (1). 2 of the submissions do not count toward it. Last evaluated 2023-04-17.

Conditions:
Leigh syndrome (NULS). Also called: Leigh's syndrome; Leigh Disease; Subacute necrotizing encephalopathy; Necrotizing encephalopathy infantile subacute of Leigh; LEIGH SYNDROME, NUCLEAR; Leigh's necrotizing encephalopathy. Identifiers: Orphanet 506, MedGen C2931891, MONDO:0009723, OMIM 256000.
Mitochondrial disease. Also called: Mitochondrial disorder; Mitochondrial disorders. Identifiers: Orphanet 68380, MedGen C0751651, MeSH D028361, MONDO:0044970.

Submissions (3):

ClinGen Mitochondrial Disease Nuclear and Mitochondrial  Variant Curation Expert Panel, ClinGen
Classification: Uncertain significance for Mitochondrial disease. Last evaluated: 2023-04-17. Review status: reviewed by expert panel. Criteria: McCormick et al. (Hum Mutat. 2020). Collection method: curation. Allele origin: germline. Inheritance: Mitochondrial inheritance.
Comment: The m.9038T>C variant in MT-ATP6 was reviewed by the Mitochondrial Disease Nuclear and Mitochondrial Variant Curation Expert Panel on April 17, 2023. There are no individuals or families with this variant reported in the medical literature to our knowledge. There are several occurrences in population databases. This variant is present in 0.025% of individuals in GenBank MITOMAP sequences, in 0.012% of individuals in gnomAD v3.1.2 (homoplasmic in 22 individuals and heteroplasmic in five), and in 0.011% of individuals in the Helix dataset. The computational predictor APOGEE gives a consensus rating of neutral with a score of 0.45 (Min=0, Max=1), which predicts no damaging effect on gene function (BP4). There are no cybrid, single fiber, or other studies reported for this variant. In summary, this variant meets criteria to be classified as uncertain significance for primary mitochondrial disease inherited in a mitochondrial manner. This classification was approved by the NICHD/NINDS U24 ClinGen Mitochondrial Disease Variant Curation Expert Panel on April 17, 2023. Mitochondrial DNA-specific ACMG/AMP criteria applied (PMID: 32906214): BP4.

Centre for Mendelian Genomics, University Medical Centre Ljubljana
Classification: Uncertain significance. Last evaluated: 2020-04-02. Review status: criteria provided, single submitter. Criteria: ACMG Guidelines, 2015. Collection method: clinical testing. Allele origin: unknown. Affected: yes. Not counted in ClinVar's aggregate classification.
Comment: This variant was classified as: Uncertain significance. The available evidence on this variant's pathogenicity is insufficient or conflicting. The following ACMG criteria were applied in classifying this variant: PP3.

Wong Mito Lab, Molecular and Human Genetics, Baylor College of Medicine
Classification: Likely benign for Leigh syndrome. Last evaluated: 2019-10-17. Review status: criteria provided, single submitter. Criteria: Modified ACMG Guidelines (Unpublished). Collection method: clinical testing. Allele origin: germline. Not counted in ClinVar's aggregate classification.
Comment: The NC_012920.1:m.9038T>C (YP_003024031.1:p.Met171Thr) variant in MTATP6 gene is interpretated to be a Likely Benign variant based on the modified ACMG guidelines (unpublished). This variant meets the following evidence codes: BS1, BP6